The following is an entry in ClinVar:

NM_001039591.3(USP9X):c.359T>C (p.Phe120Ser)

Gene: USP9X (ubiquitin specific peptidase 9 X-linked; plus strand). Cytogenetic location: Xp11.4.
Variant type: single nucleotide variant.
Coding change: c.359T>C on transcript NM_001039591.3 (MANE Select); coding-DNA position 359, T replaced by C.
Protein change: p.Phe120Ser; replaces phenylalanine 120 with serine.
Molecular consequence: missense variant.
Genome position (GRCh38, 1-based): chrX:41,134,761, T>C. VCF-style: chrX-41134761-T-C. GRCh37 (hg19) VCF-style: chrX-40994014-T-C.
Other names: c.359T>C, p.Phe120Ser (NM_001039590.3, NM_001410748.1, NM_001410749.1); short protein forms F120S.
Identifiers: ClinVar variation 2700517 (VCV002700517.3), dbSNP rs2519109402, ClinGen allele CA412761791.

ClinVar aggregate classification (germline): Uncertain significance (1 of 4 stars; one submission).

Submission:

Labcorp Genetics (formerly Invitae), Labcorp
Classification: Uncertain significance. Last evaluated: 2024-01-11. Review status: criteria provided, single submitter. Criteria: Invitae Variant Classification Sherloc (09022015). Collection method: clinical testing. Allele origin: germline.
Comment: This sequence change replaces phenylalanine, which is neutral and non-polar, with serine, which is neutral and polar, at codon 120 of the USP9X protein (p.Phe120Ser). This variant is not present in population databases (gnomAD no frequency). This variant has not been reported in the literature in individuals affected with USP9X-related conditions. An algorithm developed to predict the effect of missense changes on protein structure and function (PolyPhen-2) suggests that this variant is likely to be disruptive. In summary, the available evidence is currently insufficient to determine the role of this variant in disease. Therefore, it has been classified as a Variant of Uncertain Significance.